The following is an entry in ClinVar:

ClinVar aggregate classification (germline): Uncertain significance (1 of 4 stars; one submission).

Conditions:
Bloom syndrome (BLM). Also called: Bloom-Torre-Machacek syndrome. Identifiers: Orphanet 125, MedGen C0005859, MONDO:0008876, OMIM 210900.

Allele frequency attached by ClinVar (database versions not stated): gnomAD exomes below 0.00001.

Submission:

Labcorp Genetics (formerly Invitae), Labcorp
Classification: Uncertain significance for Bloom syndrome. Last evaluated: 2021-12-09. Review status: criteria provided, single submitter. Criteria: Invitae Variant Classification Sherloc (09022015). Collection method: clinical testing. Allele origin: germline.
Comment: In summary, the available evidence is currently insufficient to determine the role of this variant in disease. Therefore, it has been classified as a Variant of Uncertain Significance. Algorithms developed to predict the effect of missense changes on protein structure and function are either unavailable or do not agree on the potential impact of this missense change (SIFT: "Deleterious"; PolyPhen-2: "Probably Damaging"; Align-GVGD: "Class C0"). ClinVar contains an entry for this variant (Variation ID: 953639). This variant has not been reported in the literature in individuals affected with BLM-related conditions. This variant is present in population databases (no rsID available, gnomAD 0.004%). This sequence change replaces glutamine, which is neutral and polar, with arginine, which is basic and polar, at codon 931 of the BLM protein (p.Gln931Arg).

NM_000057.4(BLM):c.2792A>G (p.Gln931Arg)

Gene: BLM (BLM RecQ like helicase; plus strand). Cytogenetic location: 15q26.1.
Variant type: single nucleotide variant.
Coding change: c.2792A>G on transcript NM_000057.4 (MANE Select); coding-DNA position 2792, A replaced by G.
Protein change: p.Gln931Arg; replaces glutamine 931 with arginine.
Molecular consequence: missense variant.
Genome position (GRCh38, 1-based): chr15:90,785,050, A>G. VCF-style: chr15-90785050-A-G. GRCh37 (hg19) VCF-style: chr15-91328280-A-G.
Other names: c.2792A>G, p.Gln931Arg (NM_001287246.2, NM_001287247.2); c.1667A>G, p.Gln556Arg (NM_001287248.2); short protein forms Q556R, Q931R.
Identifiers: ClinVar variation 953639 (VCV000953639.8), dbSNP rs1178355159, ClinGen allele CA393846124.
Genomic context (GRCh38, chr15:90,785,050, plus strand): 5'-ATGGGCTCGCTGCTCTTGCTTACCATGCTGGCCTCAGTGATTCTGCCAGAGATGAAGTGC[A>G]GCAGAAGTGGATTAATCAGGATGGCTGTCAGGTAACATTTTTAAAGATAAACAAATAATA-3'
Protein context (NP_000048.1, residues 921-941): GLSDSARDEV[Gln931Arg]QKWINQDGCQ